The following is an entry in ClinVar:

NM_004415.4(DSP):c.557A>T (p.His186Leu)

Gene: DSP (desmoplakin; plus strand). Cytogenetic location: 6p24.3.
Variant type: single nucleotide variant.
Coding change: c.557A>T on transcript NM_004415.4 (MANE Select); coding-DNA position 557, A replaced by T.
Protein change: p.His186Leu; replaces histidine 186 with leucine.
Molecular consequence: missense variant.
Genome position (GRCh38, 1-based): chr6:7,559,360, A>T. VCF-style: chr6-7559360-A-T. GRCh37 (hg19) VCF-style: chr6-7559593-A-T.
Other names: c.557A>T, p.His186Leu (NM_001008844.3, NM_001319034.2); short protein forms H186L.
Identifiers: ClinVar variation 684801 (VCV000684801.11), dbSNP rs1033990351, ClinGen allele CA362672727.
Genomic context (GRCh38, chr6:7,559,360, plus strand): 5'-CCAAGGGTGGTGGAGGCTACACTTGTCAGAGTGGCTCTGGCTGGGATGAGTTCACCAAAC[A>T]TGTCACCAGTGAATGTTTGGGGTGGATGAGGCAGCAAAGGGTAAGCAGCTTCTTGAACAG-3'
Protein context (NP_004406.2, residues 176-196): SGSGWDEFTK[His186Leu]VTSECLGWMR

ClinVar aggregate classification (germline): Uncertain significance. Review status: criteria provided, multiple submitters, no conflicts (2 of 4 stars). 4 submissions from 4 submitters: Uncertain significance (4). Last evaluated 2025-02-17.

Conditions:
Cardiomyopathy (CMYO). Also called: Cardiomyopathies. Identifiers: Orphanet 167848, MedGen C0878544, MONDO:0004994, HP:0001638. Inheritance: Various modes of inheritance.
Cardiovascular phenotype. Identifiers: MedGen CN230736.
Arrhythmogenic right ventricular dysplasia 8 (ARVD8). Also called: Arrhythmogenic Right Ventricular Dysplasia/Cardiomyopathy 8; ARRHYTHMOGENIC RIGHT VENTRICULAR DYSPLASIA, FAMILIAL, 8; ARRHYTHMOGENIC RIGHT VENTRICULAR CARDIOMYOPATHY 8. Identifiers: MedGen C1843896, MONDO:0011831, OMIM 607450.
Arrhythmogenic cardiomyopathy with wooly hair and keratoderma. Also called: Carvajal syndrome; PALMOPLANTAR KERATODERMA WITH LEFT VENTRICULAR CARDIOMYOPATHY AND WOOLLY HAIR; Arrhythmogenic cardiomyopathy with woolly hair and keratoderma; Dilated cardiomyopathy with woolly hair and keratoderma. Identifiers: Orphanet 65282, MedGen C1854063, MONDO:0011581, OMIM 605676.

gnomAD v4.1: 1 of 1,613,360 alleles (0.000062%); highest among the groups gnomAD compares: Non-Finnish European, 0.000085%; no homozygotes.

Submissions (4):

Molecular Diagnostic Laboratory for Inherited Cardiovascular Disease, Montreal Heart Institute
Classification: Uncertain significance for Cardiovascular phenotype. Last evaluated: 2025-02-17. Review status: criteria provided, single submitter. Criteria: ACMG Guidelines, 2015. Collection method: clinical testing. Allele origin: germline. Affected: yes.

All of Us Research Program, National Institutes of Health
Classification: Uncertain significance for Arrhythmogenic cardiomyopathy with wooly hair and keratoderma. Last evaluated: 2023-09-04. Review status: criteria provided, single submitter. Criteria: ACMG Guidelines, 2015. Collection method: clinical testing. Allele origin: germline. Inheritance: Autosomal dominant inheritance. Observed: 1 variant allele, 1 heterozygote.
Comment: This missense variant replaces histidine with leucine at codon 186 of the DSP protein. Computational prediction suggests that this variant may not impact protein structure and function (internally defined REVEL score threshold <= 0.5, PMID: 27666373). To our knowledge, functional studies have not been reported for this variant. This variant has been reported in one case of stillbirth (PMID: 30615648). This variant has not been identified in the general population by the Genome Aggregation Database (gnomAD). The available evidence is insufficient to determine the role of this variant in disease conclusively. Therefore, this variant is classified as a Variant of Uncertain Significance.

This study involves interpretation of variants in research participants for the purpose of population health screening. Participant phenotype was not available at the time of variant classification. Additional details can be found in publication PMID: 35346344, PMCID: PMC8962531

Color Diagnostics, LLC DBA Color Health
Classification: Uncertain significance for Cardiomyopathy. Last evaluated: 2023-08-24. Review status: criteria provided, single submitter. Criteria: ACMG Guidelines, 2015. Collection method: clinical testing. Allele origin: germline.
Comment: This missense variant replaces histidine with leucine at codon 186 of the DSP protein. Computational prediction suggests that this variant may not impact protein structure and function (internally defined REVEL score threshold <= 0.5, PMID: 27666373). To our knowledge, functional studies have not been reported for this variant. This variant has been reported in one case of stillbirth (PMID: 30615648). This variant has not been identified in the general population by the Genome Aggregation Database (gnomAD). The available evidence is insufficient to determine the role of this variant in disease conclusively. Therefore, this variant is classified as a Variant of Uncertain Significance.

Labcorp Genetics (formerly Invitae), Labcorp
Classification: Uncertain significance for Arrhythmogenic cardiomyopathy with wooly hair and keratoderma; Arrhythmogenic right ventricular dysplasia 8. Last evaluated: 2022-05-27. Review status: criteria provided, single submitter. Criteria: Invitae Variant Classification Sherloc (09022015). Collection method: clinical testing. Allele origin: germline.
Comment: This sequence change replaces histidine, which is basic and polar, with leucine, which is neutral and non-polar, at codon 186 of the DSP protein (p.His186Leu). This variant is not present in population databases (gnomAD no frequency). This variant has not been reported in the literature in individuals affected with DSP-related conditions. ClinVar contains an entry for this variant (Variation ID: 684801). Algorithms developed to predict the effect of missense changes on protein structure and function (SIFT, PolyPhen-2, Align-GVGD) all suggest that this variant is likely to be tolerated. In summary, the available evidence is currently insufficient to determine the role of this variant in disease. Therefore, it has been classified as a Variant of Uncertain Significance.

Literature cited by the submitters: PubMed 30615648 (cited by All of Us Research Program, National Institutes of Health and Color Diagnostics, LLC DBA Color Health).